The following is an entry in ClinVar:

ClinVar aggregate classification (germline): Pathogenic. Review status: criteria provided, multiple submitters, no conflicts (2 of 4 stars). 3 submissions from 3 submitters: Pathogenic (3). Last evaluated 2025-04-29.

Conditions:
Achromatopsia 2 (ACHM2). Also called: COLORBLINDNESS, TOTAL; ROD MONOCHROMACY 2; ROD MONOCHROMATISM 2. Identifiers: Orphanet 49382, MedGen C1857618, MONDO:0009003, OMIM 216900.
CNGA3-related disorders.

gnomAD v4.1: 2 of 1,613,338 alleles (0.00012%); highest among the groups gnomAD compares: Non-Finnish European, 0.00017%; no homozygotes.

Submissions (3):

Women's Health and Genetics/Laboratory Corporation of America, LabCorp
Classification: Pathogenic for Achromatopsia 2. Last evaluated: 2025-04-29. Review status: criteria provided, single submitter. Criteria: LabCorp Variant Classification Summary - May 2015. Collection method: clinical testing. Allele origin: germline.
Comment: Variant summary: CNGA3 c.1088T>C (p.Leu363Pro) results in a non-conservative amino acid change in the encoded protein sequence. Five of five in-silico tools predict a damaging effect of the variant on protein function. The variant was absent in 251156 control chromosomes. c.1088T>C has been observed in at-least two individuals affected with autosomal recessive achromatops (example, Koeppen_2010). These data indicate that the variant is likely to be associated with disease. At least one publication reports experimental evidence evaluating an impact on protein function. The most pronounced variant effect results in diminished calcium channel function in HEK 293 cells (Koeppen_2010). The following publication has been ascertained in the context of this evaluation (PMID: 20506298). ClinVar contains an entry for this variant (Variation ID: 3773704). Based on the evidence outlined above, the variant was classified as pathogenic.

Institute of Human Genetics, University of Leipzig Medical Center
Classification: Pathogenic for Achromatopsia 2. Last evaluated: 2025-03-04. Review status: criteria provided, single submitter. Criteria: ACMG Guidelines, 2015. Collection method: clinical testing. Allele origin: unknown. Inheritance: Autosomal recessive inheritance. Affected: yes.
Comment: Criteria applied: PS3,PM1,PM2,PM3_SUP,PP3,PP4

Blueprint Genetics
Classification: Pathogenic for CNGA3-related disorders. Last evaluated: 2017-08-18. Review status: criteria provided, single submitter. Criteria: ACMG Guidelines, 2015. Collection method: clinical testing. Allele origin: germline. Affected: yes. Observed: 1 variant allele.

Literature cited by the submitters: PubMed 20506298 (cited by Women's Health and Genetics/Laboratory Corporation of America, LabCorp).

NM_001298.3(CNGA3):c.1088T>C (p.Leu363Pro)

Gene: CNGA3 (cyclic nucleotide gated channel subunit alpha 3; plus strand). Cytogenetic location: 2q11.2.
Variant type: single nucleotide variant.
Coding change: c.1088T>C on transcript NM_001298.3 (MANE Select); coding-DNA position 1088, T replaced by C.
Protein change: p.Leu363Pro; replaces leucine 363 with proline.
Molecular consequence: missense variant.
Genome position (GRCh38, 1-based): chr2:98,396,258, T>C. VCF-style: chr2-98396258-T-C. GRCh37 (hg19) VCF-style: chr2-99012721-T-C.
Other names: c.1034T>C, p.Leu345Pro (NM_001079878.2); short protein forms L345P, L363P.
Identifiers: ClinVar variation 3773704 (VCV003773704.5).